The following is an entry in ClinVar:

NM_014795.4(ZEB2):c.3574G>C (p.Asp1192His)

Gene: ZEB2 (zinc finger E-box binding homeobox 2; minus strand). Cytogenetic location: 2q22.3.
Variant type: single nucleotide variant.
Coding change: c.3574G>C on transcript NM_014795.4 (MANE Select); coding-DNA position 3574, G replaced by C.
Protein change: p.Asp1192His; replaces aspartic acid 1192 with histidine.
Molecular consequence: missense variant.
Genome position (GRCh38, 1-based): chr2:144,389,522, C>G on the plus strand (G>C on the coding strand, the complement: ZEB2 is on the minus strand). VCF-style: chr2-144389522-C-G. GRCh37 (hg19) VCF-style: chr2-145147089-C-G.
Other names: c.3502G>C, p.Asp1168His (NM_001171653.2); short protein forms D1168H, D1192H.
Identifiers: ClinVar variation 1342505 (VCV001342505.1), dbSNP rs1703125939, ClinGen allele CA348698883.
Genomic context (GRCh38, chr2:144,389,522, plus strand): 5'-CTTCCATATTGTCTTCCTCGTGGTCTGATTTGGTTTCCATTTTCCCATCCTCCGAACTAT[C>G]GTCCATGGAGTGATCTCCAGTCTCTTCTTCATCTCGTATCGTTTCGGGATCCGTATCCAT-3'
Protein context (NP_055610.1, residues 1182-1202): EEETGDHSMD[Asp1192His]SSEDGKMETK

ClinVar aggregate classification (germline): Uncertain significance (1 of 4 stars; one submission).

Conditions:
Mowat-Wilson syndrome (MOWS). Also called: Classic Mowat-Wilson Syndrome. Identifiers: Orphanet 2152, MedGen C1856113, MONDO:0009341, OMIM 235730.

Submission:

New York Genome Center
Classification: Uncertain significance for Mowat-Wilson syndrome. Last evaluated: 2021-04-02. Review status: criteria provided, single submitter. Criteria: NYGC Assertion Criteria 2020. Collection method: clinical testing. Allele origin: inherited. Observed: 1 heterozygote. Study: CSER-NYCKidSeq.
Comment: The inherited heterozygous c.3574G>C (p.Asp1192His) missense variant identified in the ZEB2 gene has not been reported in affected individuals in the literature. The variant is absent from gnomAD(v3) database suggesting it is not a common benign variant in the populations represented inthat database. The affected residue is evolutionarily conserved. In silico tools provide conflicting predictions about potential pathogenicity of this variant [CADD score=28, REVEL score=0.32]. Based on the available evidence, the inherited heterozygous c.3574G>C (p.Asp1192His) missense variant identified in the ZEB2 gene is reported as a variant of uncertain significance.